The following is an entry in ClinVar:

ClinVar aggregate classification (germline): Pathogenic (1 of 4 stars; one submission).

Submission:

Labcorp Genetics (formerly Invitae), Labcorp
Classification: Pathogenic. Last evaluated: 2023-10-05. Review status: criteria provided, single submitter. Criteria: Invitae Variant Classification Sherloc (09022015). Collection method: clinical testing. Allele origin: germline.
Comment: This sequence change creates a premature translational stop signal (p.Pro20Glyfs*27) in the PHYH gene. It is expected to result in an absent or disrupted protein product. Loss-of-function variants in PHYH are known to be pathogenic (PMID: 9326940, 14974078). This variant is not present in population databases (gnomAD no frequency). This variant has not been reported in the literature in individuals affected with PHYH-related conditions. For these reasons, this variant has been classified as Pathogenic.

Literature cited by the submitters: PubMed 9326940; PubMed 14974078.

NM_006214.4(PHYH):c.57_67del (p.Pro20fs)

Genes: PHYH (phytanoyl-CoA 2-hydroxylase; minus strand), LOC130003374 (ATAC-STARR-seq lymphoblastoid silent region 2152; plus strand). Cytogenetic location: 10p13.
Variant type: Deletion.
Coding change: c.57_67del on transcript NM_006214.4 (MANE Select); coding-DNA positions 57 to 67, 11 bases deleted (CCCCTCGGCCG).
Protein change: p.Pro20fs; shifts the reading frame from proline 20.
Molecular consequence: frameshift variant.
Genome position (GRCh38, 1-based): chr10:13,299,976-13,299,986, CGGCCGAGGGG deleted on the plus strand (CCCCTCGGCCG on the coding strand, the reverse complement: PHYH is on the minus strand); deleting any 11 consecutive bases within chr10:13,299,976-13,299,995 gives the same sequence; the c. name uses the placement nearest the transcript's 3' end. VCF-style (leftmost placement, unchanged base first): chr10-13299975-CCGGCCGAGGGG-C. GRCh37 (hg19) VCF-style: chr10-13341975-CCGGCCGAGGGG-C.
Other names: c.57_67del, p.Pro20fs (NM_001323082.2, NM_001323083.2); short protein forms P20fs.
Identifiers: ClinVar variation 2964083 (VCV002964083.3), dbSNP rs1410727499, ClinGen allele CA925084687.